The following is an entry in ClinVar:

ClinVar aggregate classification (germline): Conflicting classifications of pathogenicity. Review status: criteria provided, conflicting classifications (1 of 4 stars). 3 submissions from 3 submitters: Uncertain significance (1); Likely benign (2). Last evaluated 2025-01-30.

Conditions:
Inborn genetic diseases. Identifiers: MedGen C0950123, MeSH D030342.
RP1L1-related disorder. Also called: RP1L1-related condition.

Allele frequency attached by ClinVar (database versions not stated): ESP Exome Variant Server 0.00032; TOPMed 0.00077.
gnomAD v4.1: 255 of 1,614,218 alleles (0.016%); highest among the groups gnomAD compares: African/African-American, 0.26%; 1 homozygote.

Submissions (3):

PreventionGenetics, part of Exact Sciences
Classification: Likely benign for RP1L1-related condition. Last evaluated: 2025-01-30. Review status: criteria provided, single submitter. Criteria: ACMG Guidelines, 2015. Collection method: clinical testing. Allele origin: germline.
Comment: This variant is classified as likely benign based on ACMG/AMP sequence variant interpretation guidelines (Richards et al. 2015 PMID: 25741868, with internal and published modifications).

Blueprint Genetics
Classification: Likely benign. Last evaluated: 2024-09-11. Review status: criteria provided, single submitter. Criteria: ACMG Guidelines, 2015. Collection method: clinical testing. Allele origin: germline.

Ambry Genetics
Classification: Uncertain significance for Inborn genetic diseases. Last evaluated: 2024-08-07. Review status: criteria provided, single submitter. Criteria: Ambry Variant Classification Scheme 2023. Collection method: clinical testing. Allele origin: germline.

NM_178857.6(RP1L1):c.3779C>A (p.Thr1260Asn)

Gene: RP1L1 (RP1 like 1). Cytogenetic location: 8p23.1.
Variant type: single nucleotide variant.
Coding change: c.3779C>A on transcript NM_178857.6 (MANE Select); coding-DNA position 3779, C replaced by A.
Protein change: p.Thr1260Asn; replaces threonine 1260 with asparagine.
Molecular consequence: missense variant.
Genome position (GRCh38, 1-based): chr8:10,610,319, G>T on the plus strand (C>A on the coding strand, the complement: RP1L1 is on the minus strand). VCF-style: chr8-10610319-G-T. GRCh37 (hg19) VCF-style: chr8-10467829-G-T.
Other names: short protein forms T1260N.
Identifiers: ClinVar variation 3155836 (VCV003155836.4), dbSNP rs186517479, ClinGen allele CA4624375.